The following is an entry in ClinVar:

ClinVar aggregate classification (germline): Uncertain significance. Review status: criteria provided, multiple submitters, no conflicts (2 of 4 stars). 2 submissions from 2 submitters: Uncertain significance (2). Last evaluated 2024-04-24.

Allele frequency attached by ClinVar (database versions not stated): gnomAD exomes below 0.00001; ExAC 0.00001; gnomAD 0.00001.
gnomAD v4.1: 2 of 1,613,936 alleles (0.00012%); highest among the groups gnomAD compares: Non-Finnish European, 0.00017%; no homozygotes.

Submissions (2):

Ambry Genetics
Classification: Uncertain significance. Last evaluated: 2024-04-24. Review status: criteria provided, single submitter. Criteria: Ambry Variant Classification Scheme 2023. Collection method: clinical testing. Allele origin: germline.
Comment: The p.D179N variant (also known as c.535G>A), located in coding exon 2 of the GALNT12 gene, results from a G to A substitution at nucleotide position 535. The aspartic acid at codon 179 is replaced by asparagine, an amino acid with highly similar properties. This amino acid position is conserved. In addition, this alteration is predicted to be tolerated by in silico analysis. Since supporting evidence is limited at this time, the clinical significance of this alteration remains unclear.

Labcorp Genetics (formerly Invitae), Labcorp
Classification: Uncertain significance. Last evaluated: 2023-03-09. Review status: criteria provided, single submitter. Criteria: Invitae Variant Classification Sherloc (09022015). Collection method: clinical testing. Allele origin: germline.
Comment: This variant has not been reported in the literature in individuals affected with GALNT12-related conditions. In summary, the available evidence is currently insufficient to determine the role of this variant in disease. Therefore, it has been classified as a Variant of Uncertain Significance. Advanced modeling of protein sequence and biophysical properties (such as structural, functional, and spatial information, amino acid conservation, physicochemical variation, residue mobility, and thermodynamic stability) performed at Invitae indicates that this missense variant is not expected to disrupt GALNT12 protein function. ClinVar contains an entry for this variant (Variation ID: 1064015). This variant is present in population databases (rs762919200, gnomAD 0.0009%). This sequence change replaces aspartic acid, which is acidic and polar, with asparagine, which is neutral and polar, at codon 179 of the GALNT12 protein (p.Asp179Asn).

NM_024642.5(GALNT12):c.535G>A (p.Asp179Asn)

Gene: GALNT12 (polypeptide N-acetylgalactosaminyltransferase 12; plus strand). Cytogenetic location: 9q22.33.
Variant type: single nucleotide variant.
Coding change: c.535G>A on transcript NM_024642.5 (MANE Select); coding-DNA position 535, G replaced by A.
Protein change: p.Asp179Asn; replaces aspartic acid 179 with asparagine.
Molecular consequence: missense variant.
Genome position (GRCh38, 1-based): chr9:98,823,419, G>A. VCF-style: chr9-98823419-G-A. GRCh37 (hg19) VCF-style: chr9-101585701-G-A.
Other names: short protein forms D179N.
Identifiers: ClinVar variation 1064015 (VCV001064015.12), dbSNP rs762919200, ClinGen allele CA5153961.